The following is an entry in ClinVar:

ClinVar aggregate classification (germline): Uncertain significance (1 of 4 stars; one submission).

Conditions:
Psoriasis 2. Identifiers: MedGen C1864497, MONDO:0011269, OMIM 602723.
Pityriasis rubra pilaris (PRP). Also called: Pityriasis rubra pilaris--familial type. Identifiers: Orphanet 2897, MedGen C0032027, MONDO:0100017, OMIM 173200, MONDO:0008251.

gnomAD v4.1: 1 of 1,614,022 alleles (0.000062%); highest among the groups gnomAD compares: Non-Finnish European, 0.000085%; no homozygotes.

Submission:

Labcorp Genetics (formerly Invitae), Labcorp
Classification: Uncertain significance for Pityriasis rubra pilaris; Psoriasis 2. Last evaluated: 2022-12-17. Review status: criteria provided, single submitter. Criteria: Invitae Variant Classification Sherloc (09022015). Collection method: clinical testing. Allele origin: germline.
Comment: In summary, the available evidence is currently insufficient to determine the role of this variant in disease. Therefore, it has been classified as a Variant of Uncertain Significance. Advanced modeling of protein sequence and biophysical properties (such as structural, functional, and spatial information, amino acid conservation, physicochemical variation, residue mobility, and thermodynamic stability) has been performed at Invitae for this missense variant, however the output from this modeling did not meet the statistical confidence thresholds required to predict the impact of this variant on CARD14 protein function. This variant has not been reported in the literature in individuals affected with CARD14-related conditions. This variant is not present in population databases (gnomAD no frequency). This sequence change replaces alanine, which is neutral and non-polar, with glutamic acid, which is acidic and polar, at codon 349 of the CARD14 protein (p.Ala349Glu).

NM_001366385.1(CARD14):c.1046C>A (p.Ala349Glu)

Gene: CARD14 (caspase recruitment domain family member 14; plus strand). Cytogenetic location: 17q25.3.
Variant type: single nucleotide variant.
Coding change: c.1046C>A on transcript NM_001366385.1 (MANE Select); coding-DNA position 1046, C replaced by A.
Protein change: p.Ala349Glu; replaces alanine 349 with glutamic acid.
Molecular consequence: missense variant. On other transcripts: non-coding transcript variant (1).
Genome position (GRCh38, 1-based): chr17:80,190,856, C>A. VCF-style: chr17-80190856-C-A. GRCh37 (hg19) VCF-style: chr17-78164655-C-A.
Other names: c.1046C>A, p.Ala349Glu (NM_001257970.1, NM_024110.4); c.335C>A, p.Ala112Glu (NM_052819.3); short protein forms A349E, A112E.
Identifiers: ClinVar variation 2935893 (VCV002935893.3), dbSNP rs770212092, ClinGen allele CA401345131.